The following is an entry in ClinVar:

ClinVar aggregate classification (germline): Uncertain significance. Review status: criteria provided, multiple submitters, no conflicts (2 of 4 stars). 2 submissions from 2 submitters: Uncertain significance (2). Last evaluated 2025-03-31.

Conditions:
Intellectual disability, X-linked, with or without seizures, ARX-related. Also called: Mental retardation, X-linked 52; MENTAL RETARDATION, X-LINKED 29; MENTAL RETARDATION, X-LINKED 32; MENTAL RETARDATION, X-LINKED 33; MENTAL RETARDATION, X-LINKED 38; MENTAL RETARDATION, X-LINKED 43. Identifiers: Orphanet 777, MedGen C0796244, MONDO:0010317, OMIM 300419.
Developmental and epileptic encephalopathy, 1 (DEE1). Also called: Epileptic encephalopathy, early infantile, 1; X-linked infantile spasms; West's syndrome; Tonic spasms with clustering, arrest of psychomotor development and hypsarrhythmia on EEG; X-Linked Infantile Spasm Syndrome; OHTAHARA SYNDROME, X-LINKED. Identifiers: MedGen C3463992, MONDO:0010632, OMIM 308350. Disease mechanism: loss of function.

Allele frequency attached by ClinVar (database versions not stated): gnomAD exomes 0.00001.

Submissions (2):

Labcorp Genetics (formerly Invitae), Labcorp
Classification: Uncertain significance for Developmental and epileptic encephalopathy, 1; Intellectual disability, X-linked, with or without seizures, ARX-related. Last evaluated: 2025-03-31. Review status: criteria provided, single submitter. Criteria: Invitae Variant Classification Sherloc (09022015). Collection method: clinical testing. Allele origin: germline.
Comment: This sequence change replaces aspartic acid, which is acidic and polar, with valine, which is neutral and non-polar, at codon 225 of the ARX protein (p.Asp225Val). This variant is not present in population databases (gnomAD no frequency). This variant has not been reported in the literature in individuals affected with ARX-related conditions. ClinVar contains an entry for this variant (Variation ID: 383608). Invitae Evidence Modeling of protein sequence and biophysical properties (such as structural, functional, and spatial information, amino acid conservation, physicochemical variation, residue mobility, and thermodynamic stability) indicates that this missense variant is not expected to disrupt ARX protein function with a negative predictive value of 80%. In summary, the available evidence is currently insufficient to determine the role of this variant in disease. Therefore, it has been classified as a Variant of Uncertain Significance.

GeneDx
Classification: Uncertain significance. Last evaluated: 2016-02-18. Review status: criteria provided, single submitter. Criteria: GeneDx Variant Classification (06012015). Collection method: clinical testing. Allele origin: germline. Affected: yes.
Comment: A variant of uncertain significance has been identified in the ARX gene. The D225V variant has not been published as a pathogenic variant, nor has it been reported as a benign variant to our knowledge. It was not observed in approximately 5,600 individuals of European and African American ancestry in the NHLBI Exome Sequencing Project, indicating it is not a common benign variant in these populations. The D225V variant is a non-conservative amino acid substitution, which is likely to impact secondary protein structure as these residues differ in polarity, charge, size and/or other properties. This substitution occurs at a position where amino acids with similar properties to Aspartic acid are tolerated across species. However, missense variants in nearby residues have not been reported in the Human Gene Mutation Database in association with ARX-related disorders (Stenson et al., 2014). In silico analysis predicts this variant likely does not alter the protein structure/function. Therefore, based on the currently available information, it is unclear whether this variant is a pathogenic variant or a rare benign variant.

NM_139058.3(ARX):c.674A>T (p.Asp225Val)

Gene: ARX (aristaless related homeobox; minus strand). Cytogenetic location: Xp21.3.
Variant type: single nucleotide variant.
Coding change: c.674A>T on transcript NM_139058.3 (MANE Select); coding-DNA position 674, A replaced by T.
Protein change: p.Asp225Val; replaces aspartic acid 225 with valine.
Molecular consequence: missense variant.
Genome position (GRCh38, 1-based): chrX:25,013,321, T>A on the plus strand (A>T on the coding strand, the complement: ARX is on the minus strand). VCF-style: chrX-25013321-T-A. GRCh37 (hg19) VCF-style: chrX-25031438-T-A.
Other names: short protein forms D225V.
Identifiers: ClinVar variation 383608 (VCV000383608.8), dbSNP rs1057521690, ClinGen allele CA16608411.